The following is an entry in ClinVar:

NM_001085458.2(CTNND1):c.2389C>T (p.Arg797Ter)

Genes: CTNND1 (catenin delta 1; plus strand), TMX2-CTNND1 (TMX2-CTNND1 readthrough (NMD candidate); plus strand). Cytogenetic location: 11q12.1.
Variant type: single nucleotide variant.
Coding change: c.2389C>T on transcript NM_001085458.2 (MANE Select); coding-DNA position 2389, C replaced by T.
Protein change: p.Arg797Ter; replaces arginine 797 with a stop codon.
Molecular consequence: nonsense. On other transcripts: non-coding transcript variant (1).
Genome position (GRCh38, 1-based): chr11:57,809,420, C>T. VCF-style: chr11-57809420-C-T. GRCh37 (hg19) VCF-style: chr11-57576892-C-T.
Other names: c.2371C>T, p.Arg791Ter (NM_001085459.2, NM_001085460.2, NM_001085461.2 and 2 more transcripts); c.2086C>T, p.Arg696Ter (NM_001085463.2, NM_001085466.2); c.2068C>T, p.Arg690Ter (NM_001085464.2, NM_001085465.2, NM_001085467.2 and 3 more transcripts); c.2227C>T, p.Arg743Ter (NM_001206883.2, NM_001206884.2); c.2389C>T, p.Arg797Ter (NM_001206885.2); c.2209C>T, p.Arg737Ter (NM_001206886.2, NM_001206887.2, NM_001206888.2 and 2 more transcripts); short protein forms R690*, R696*, R737*, R743*, R791*, R797*.
Identifiers: ClinVar variation 1300537 (VCV001300537.3), dbSNP rs2137426627, ClinGen allele CA380730209.

ClinVar aggregate classification (germline): Pathogenic (1 of 4 stars; one submission).

Submission:

GeneDx
Classification: Pathogenic. Last evaluated: 2021-10-28. Review status: criteria provided, single submitter. Criteria: GeneDx Variant Classification Process June 2021. Collection method: clinical testing. Allele origin: germline. Affected: yes.
Comment: Nonsense variant predicted to result in protein truncation or nonsense mediated decay in a gene for which loss-of-function is a known mechanism of disease; Not observed in large population cohorts (gnomAD); This variant is associated with the following publications: (PMID: 32196547)